The following is an entry in ClinVar:

NM_000080.4(CHRNE):c.361G>T (p.Gly121Ter)

Genes: C17orf107 (chromosome 17 open reading frame 107; plus strand), CHRNE (cholinergic receptor nicotinic epsilon subunit; minus strand). Cytogenetic location: 17p13.2.
Variant type: single nucleotide variant.
Coding change: c.361G>T on transcript NM_000080.4 (MANE Select); coding-DNA position 361, G replaced by T.
Protein change: p.Gly121Ter; replaces glycine 121 with a stop codon.
Molecular consequence: nonsense. On other transcripts: 3 prime UTR variant (1).
Genome position (GRCh38, 1-based): chr17:4,902,071, C>A on the plus strand (G>T on the coding strand, the complement: CHRNE is on the minus strand). VCF-style: chr17-4902071-C-A. GRCh37 (hg19) VCF-style: chr17-4805366-C-A.
Other names: c.*1538C>A (NM_001145536.2); short protein forms G121*.
Identifiers: ClinVar variation 661902 (VCV000661902.6), dbSNP rs1187421976, ClinGen allele CA397306349.

ClinVar aggregate classification (germline): Pathogenic (1 of 4 stars; one submission).

Conditions:
Congenital myasthenic syndrome 4A. Also called: Myasthenic syndrome, congenital, 4a, slow-channel; MYASTHENIC SYNDROME, CONGENITAL, 4A, SLOW-CHANNEL, AUTOSOMAL RECESSIVE; CONGENITAL MYASTHENIC SYNDROME TYPE Ia1. Identifiers: Orphanet 590, MedGen C4225413, MONDO:0011600, OMIM 605809.

Submission:

Labcorp Genetics (formerly Invitae), Labcorp
Classification: Pathogenic for Congenital myasthenic syndrome 4A. Last evaluated: 2018-09-11. Review status: criteria provided, single submitter. Criteria: Invitae Variant Classification Sherloc (09022015). Collection method: clinical testing. Allele origin: germline.
Comment: This sequence change creates a premature translational stop signal (p.Gly121*) in the CHRNE gene. It is expected to result in an absent or disrupted protein product. This variant is not present in population databases (ExAC no frequency). For these reasons, this variant has been classified as Pathogenic. Loss-of-function variants in CHRNE are known to be pathogenic (PMID: 22678886). This variant has not been reported in the literature in individuals with CHRNE-related disease.

Literature cited by the submitters: PubMed 22678886.